The following is an entry in ClinVar:

ClinVar aggregate classification (germline): Uncertain significance (1 of 4 stars; one submission).

Conditions:
Leigh syndrome (NULS). Also called: Leigh's necrotizing encephalopathy; Leigh's disease; Leigh Syndrome (mtDNA deletion); Leigh Disease; Subacute necrotizing encephalopathy; Necrotizing encephalopathy infantile subacute of Leigh. Identifiers: Orphanet 506, MedGen C2931891, MONDO:0009723, OMIM 256000.

Submission:

Wong Mito Lab, Molecular and Human Genetics, Baylor College of Medicine
Classification: Uncertain significance for Leigh syndrome. Last evaluated: 2019-10-17. Review status: criteria provided, single submitter. Criteria: Modified ACMG Guidelines (Unpublished). Collection method: clinical testing. Allele origin: germline.
Comment: The NC_012920.1:m.8591T>C (YP_003024031.1:p.Leu22Pro) variant in MTATP6 gene is interpretated to be a Uncertain Significance variant based on the modified ACMG guidelines (unpublished). This variant meets the following evidence codes: PP6, BP4

NC_012920.1(MT-ATP6):m.8591T>C

Gene: MT-ATP6 (mitochondrially encoded ATP synthase 6; plus strand).
Variant type: single nucleotide variant.
Genome position: chrM-8591-T-C.
Identifiers: ClinVar variation 692915 (VCV000692915.1), dbSNP rs1603221609, ClinGen allele CA414796830.